The following is an entry in ClinVar:

NM_000152.5(GAA):c.1979G>A (p.Arg660His)

Gene: GAA (alpha glucosidase; plus strand). Cytogenetic location: 17q25.3.
Variant type: single nucleotide variant.
Coding change: c.1979G>A on transcript NM_000152.5 (MANE Select); coding-DNA position 1979, G replaced by A.
Protein change: p.Arg660His; replaces arginine 660 with histidine.
Molecular consequence: missense variant.
Genome position (GRCh38, 1-based): chr17:80,112,966, G>A. VCF-style: chr17-80112966-G-A. GRCh37 (hg19) VCF-style: chr17-78086765-G-A.
Other names: NM_000152.5(GAA):c.1979G>A; c.1979G>A (LRG_673t1, NM_000152.2, NM_000152.4); c.1979G>A, p.Arg660His (NM_001079803.3, NM_001079804.3); short protein forms R660H.
Identifiers: ClinVar variation 189172 (VCV000189172.74), dbSNP rs374143224, ClinGen allele CA274455.
Genomic context (GRCh38, chr17:80,112,966, plus strand): 5'-CTCTGGTCGGGGCCGACGTCTGCGGCTTCCTGGGCAACACCTCAGAGGAGCTGTGTGTGC[G>A]CTGGACCCAGCTGGGGGCCTTCTACCCCTTCATGCGGAACCACAACAGCCTGCTCAGTCT-3'
Protein context (NP_000143.2, residues 650-670): LGNTSEELCV[Arg660His]WTQLGAFYPF

ClinVar aggregate classification (germline): Pathogenic. Review status: reviewed by expert panel (3 of 4 stars). 16 submissions from 16 submitters: Pathogenic (1). 15 of the submissions do not count toward it. Last evaluated 2022-03-01.

Conditions:
GAA-related disorder. Also called: GAA-related condition.
Glycogen storage disease, type II (IOPD). Also called: Glucosidase acid-1,4-alpha deficiency; CARDIOMEGALIA GLYCOGENICA DIFFUSA; GLYCOGENOSIS, GENERALIZED, CARDIAC FORM; GSD II; Pompe Disease; Glycogen storage disease type 2. Identifiers: Orphanet 365, MedGen C0017921, MONDO:0009290, OMIM 232300.

Allele frequency attached by ClinVar (database versions not stated): gnomAD exomes 0.00002; ExAC 0.00003; ESP Exome Variant Server 0.00008; TOPMed 0.00008; gnomAD 0.00009.
gnomAD v4.1: 45 of 1,609,718 alleles (0.0028%); highest among the groups gnomAD compares: African/African-American, 0.013%; no homozygotes.

Submissions 1 to 9 of 16:

ClinGen Lysosomal Storage Disorder Variant Curation Expert Panel
Classification: Pathogenic for Glycogen storage disease, type II. Last evaluated: 2022-03-01. Review status: reviewed by expert panel. Criteria: clingen_lsd_acmg_specifications_v2-1. Collection method: curation. Allele origin: germline. Inheritance: Autosomal recessive inheritance.
Comment: The NM_000152.5: c.1979G>A variant in GAA is a missense variant predicted to cause substitution of arginine by histidine at amino acid 660 (p.Arg660His). More than nine individuals with features consistent with Pompe disease have been reported with this variant. Of these patients 3 probands (and two siblings) have documented laboratory values indicating GAA deficiency in the affected range in dried blood spot, or muscle, or <1% activity in cultured skin fibroblasts (PMID: 21484825, 25037089, 27649523), and three probands are reported to have low GAA activity and to be on enzyme replacement therapy (PP4_Moderate). Six patients are compound heterozygous for the variant and a variant classified as pathogenic by the ClinGen LSD VCEP. For two patients, the second variant was confirmed in trans by parental testing - c.525delT (PMID: 30559630, possibly same case in PMID: 30214072), and c.670C>T (p.Arg224Trp) (PMID: 14643388) – and in four patients the phase of the second variant is unconfirmed - c.655G>A (p.Gly219Arg) (PMID: 29122469), c.1082C>T (p.Pro361Leu) (PMID: 21484825), c.1998C>T (p.Arg600Cys) (PMID: 14643388), and c.2560C>T (p.Arg854Ter) (PMID: 30214072). Two homozygous siblings have also been reported (PMID: 27649523) (PM3_Very Strong). Two probands have been reported who are compound heterozygous for the variant and either c.-32-17_-32-10del8ins30 (PMID: 25037089; two affected siblings), or c.1114C>T (p.His372Tyr) (PMID: 30214072). The allelic data from these patients will be used in the classification of the second variant and is not included here to avoid circular logic. The highest population minor allele frequency in gnomAD v2.1.1 is 0.00025 (6/23566) in the African population, which is lower than the ClinGen LSD VCEP’s threshold for PM2_Supporting (<0.001), meeting this criterion (PM2_Supporting). In two independent studies, in which the variant was expressed in COS cells, the GAA activity was <2% wild type, indicating that the variant has a damaging effect on GAA function (PS3_Supporting). The computational predictor REVEL gives a score of 0.976 which is above the threshold of 0.7, evidence that correlates with impact to GAA function (PP3). Another variant, c.1978C>T (p.Arg660Cys), has been reported at this position. p.Arg660His will be used to support the classification of p.Arg660Cys and thus PM5 is not applied here, in order to avoid circular logic. There is a ClinVar entry for this variant (Variation ID: 189172; 2 star review status) with nine submitters classifying the variant as pathogenic, and three as likely pathogenic. In summary, this variant meets the criteria to be classified as Pathogenic for Pompe disease. GAA-specific ACMG/AMP criteria met, based on the specifications of the ClinGen LSD VCEP (Specifications Version 2.0): PM3_VeryStrong, PP4_Moderate, PP3, PS3_Supporting, PM2_Supporting. (Approved by LSD VCEP on Feb 15, 2022).

Genomenon, Inc
Classification: Pathogenic for Glycogen storage disease, type II. Last evaluated: 2026-07-01. Review status: criteria provided, single submitter. Criteria: Genomenon Sequence Variant Interpretation Standards - Updated. Collection method: curation. Allele origin: germline. Affected: yes. Not counted in ClinVar's aggregate classification.
Comment: GAA p.Arg660His (c.1979G>A) is a missense variant that changes the amino acid at codon 660 from Arginine to Histidine. This variant has been observed in at least one proband with a GAA-related disorder in the compound heterozygous and/or homozygous state (PMID:39273088;38958145;38250073;37087815;34852371;33073007;31086307;30559630;30214072). At least one functional study has demonstrated a substantial alteration in protein function relative to the wild-type (PMID:14643388;19862843). It is absent or not present at a significant frequency in gnomAD. In silico models predict that this variant is possibly or probably damaging. In conclusion, we classify GAA p.Arg660His (c.1979G>A) as a pathogenic variant.

Labcorp Genetics (formerly Invitae), Labcorp
Classification: Pathogenic for Glycogen storage disease, type II. Last evaluated: 2026-02-01. Review status: criteria provided, single submitter. Criteria: Invitae Variant Classification Sherloc (09022015). Collection method: clinical testing. Allele origin: germline. Not counted in ClinVar's aggregate classification.
Comment: This sequence change replaces arginine, which is basic and polar, with histidine, which is basic and polar, at codon 660 of the GAA protein (p.Arg660His). The frequency data for this variant in the population databases is considered unreliable, as metrics indicate poor data quality at this position in the gnomAD database. This missense change has been observed in individual(s) with hypertrophic cardiomyopathy (HCM) and/or Pompe disease (PMID: 14643388, 20472203, 20638881, 21484825, 22521436, 22555271, 27649523). In at least one individual the data is consistent with being in trans (on the opposite chromosome) from a pathogenic variant. ClinVar contains an entry for this variant (Variation ID: 189172). Invitae Evidence Modeling of protein sequence and biophysical properties (such as structural, functional, and spatial information, amino acid conservation, physicochemical variation, residue mobility, and thermodynamic stability) indicates that this missense variant is expected to disrupt GAA protein function with a positive predictive value of 95%. Experimental studies have shown that this missense change affects GAA function (PMID: 14643388). For these reasons, this variant has been classified as Pathogenic.

CeGaT Center for Human Genetics Tuebingen
Classification: Pathogenic. Last evaluated: 2025-07-01. Review status: criteria provided, single submitter. Criteria: CeGaT Center For Human Genetics Tuebingen Variant Classification Criteria Version 2. Collection method: clinical testing. Allele origin: germline. Affected: yes. Observed: 2 variant alleles. Not counted in ClinVar's aggregate classification.
Comment: GAA: PM3:Strong, PM2, PM5, PP3, PS3:Supporting

Natera, Inc.
Classification: Pathogenic for Glycogen storage disease type II. Last evaluated: 2025-06-05. Review status: criteria provided, single submitter. Criteria: Natera Variant Classification Schema (03/2026). Collection method: clinical testing. Allele origin: germline. Not counted in ClinVar's aggregate classification.
Comment: The c.1979G>A variant in GAA is a missense variant predicted to cause substitution of arginine to histidine at amino acid 660. This variant is rare in the general population with a frequency below the threshold expected for the associated phenotype(s). This variant has been observed in one or more individuals affected with the associated recessive disease, as either homozygous or compound heterozygous with a second variant (PMID: 28454995, 21637107, 1464338). Given the available evidence, this variant is classified as Pathogenic.

Genomic Diagnostics Laboratory, National Institute of Medical Genomics
Classification: Pathogenic for Glycogen storage disease, type II. Last evaluated: 2024-12-11. Review status: criteria provided, single submitter. Criteria: ACMG Guidelines, 2015. Collection method: clinical testing. Allele origin: inherited. Inheritance: Autosomal recessive inheritance. Affected: yes. Observed: 1 compound heterozygote. Not counted in ClinVar's aggregate classification.
Comment: The genetic variant c.1979G>A (p.Arg660His) has a low allele frequency from exomes and genomes of the gnomAD database, and in a heterozygous state, consistent with inheritance model. Published functional studies found this variant is associated with significantly reduced enzyme activity (PMID: 14643388). This variant has been extensively published elsewhere in relation to the phenotype of Glycogen storage disease, type II or Pompe disease.

Revvity Omics, Revvity
Classification: Pathogenic. Last evaluated: 2024-06-10. Review status: criteria provided, single submitter. Criteria: ACMG Guidelines, 2015. Collection method: clinical testing. Allele origin: germline. Not counted in ClinVar's aggregate classification.

GeneDx
Classification: Pathogenic. Last evaluated: 2023-11-17. Review status: criteria provided, single submitter. Criteria: GeneDx Variant Classification Process June 2021. Collection method: clinical testing. Allele origin: germline. Affected: yes. Not counted in ClinVar's aggregate classification.
Comment: Published functional studies found this variant is associated with significantly reduced enzyme activity (PMID: 14643388); In silico analysis supports that this missense variant has a deleterious effect on protein structure/function; This variant is associated with the following publications: (PMID: 31086307, 31127727, 30559630, 33073007, 29122469, 14643388, 22555271, 22658377, 19862843, 22521436, 21484825, 26402642, 30281819, 20472203, 20638881, 34852371, 22253258, 19343043, 27649523)

Fulgent Genetics
Classification: Pathogenic for Glycogen storage disease, type II. Last evaluated: 2021-07-15. Review status: criteria provided, single submitter. Criteria: ACMG Guidelines, 2015. Collection method: clinical testing. Allele origin: unknown. Not counted in ClinVar's aggregate classification.